The following is an entry in ClinVar:

ClinVar aggregate classification (germline): Uncertain significance (1 of 4 stars; one submission).

gnomAD v4.1: 1 of 1,613,890 alleles (0.000062%); highest among the groups gnomAD compares: Non-Finnish European, 0.000085%; no homozygotes.

Submission:

GeneDx
Classification: Uncertain significance. Last evaluated: 2025-02-18. Review status: criteria provided, single submitter. Criteria: GeneDx Variant Classification Process June 2021. Collection method: clinical testing. Allele origin: germline. Affected: yes.
Comment: Not observed at significant frequency in large population cohorts (gnomAD); In silico analysis indicates that this missense variant does not alter protein structure/function; Has not been previously published as pathogenic or benign to our knowledge

NM_001378454.1(ALMS1):c.6998A>G (p.Gln2333Arg)

Gene: ALMS1 (ALMS1 centrosome and basal body associated protein; plus strand). Cytogenetic location: 2p13.1.
Variant type: single nucleotide variant.
Coding change: c.6998A>G on transcript NM_001378454.1 (MANE Select); coding-DNA position 6998, A replaced by G.
Protein change: p.Gln2333Arg; replaces glutamine 2333 with arginine.
Molecular consequence: missense variant.
Genome position (GRCh38, 1-based): chr2:73,453,525, A>G. VCF-style: chr2-73453525-A-G. GRCh37 (hg19) VCF-style: chr2-73680652-A-G.
Other names: c.7001A>G, p.Gln2334Arg (NM_015120.4); short protein forms Q2333R, Q2334R.
Identifiers: ClinVar variation 4076591 (VCV004076591.1).